The following is an entry in ClinVar:

ClinVar aggregate classification (germline): Uncertain significance (1 of 4 stars; one submission).

Allele frequency attached by ClinVar (database versions not stated): gnomAD exomes below 0.00001; gnomAD 0.00001.
gnomAD v4.1: 2 of 1,612,018 alleles (0.00012%); highest among the groups gnomAD compares: East Asian, 0.0022%; no homozygotes.

Submission:

Labcorp Genetics (formerly Invitae), Labcorp
Classification: Uncertain significance. Last evaluated: 2023-12-07. Review status: criteria provided, single submitter. Criteria: Invitae Variant Classification Sherloc (09022015). Collection method: clinical testing. Allele origin: germline.
Comment: This sequence change falls in intron 2 of the SLCO5A1 gene. It does not directly change the encoded amino acid sequence of the SLCO5A1 protein. It affects a nucleotide within the consensus splice site. The frequency data for this variant in the population databases is considered unreliable, as metrics indicate poor data quality at this position in the gnomAD database. This variant has not been reported in the literature in individuals affected with SLCO5A1-related conditions. Variants that disrupt the consensus splice site are a relatively common cause of aberrant splicing (PMID: 17576681, 9536098). Algorithms developed to predict the effect of sequence changes on RNA splicing suggest that this variant is not likely to affect RNA splicing. In summary, the available evidence is currently insufficient to determine the role of this variant in disease. Therefore, it has been classified as a Variant of Uncertain Significance.

Literature cited by the submitters: PubMed 17576681; PubMed 9536098.

NM_030958.3(SLCO5A1):c.907+3A>G

Gene: SLCO5A1 (solute carrier organic anion transporter family member 5A1; minus strand). Cytogenetic location: 8q13.3.
Variant type: single nucleotide variant.
Coding change: c.907+3A>G on transcript NM_030958.3 (MANE Select); 3 bases into the intron after coding-DNA position 907, A replaced by G.
Molecular consequence: intron variant.
Genome position (GRCh38, 1-based): chr8:69,831,764, T>C on the plus strand (A>G on the coding strand, the complement: SLCO5A1 is on the minus strand). VCF-style: chr8-69831764-T-C. GRCh37 (hg19) VCF-style: chr8-70743999-T-C.
Other names: c.907+3A>G (NM_001146008.2, NM_001146009.1).
Identifiers: ClinVar variation 2699630 (VCV002699630.3), dbSNP rs1261525721, ClinGen allele CA582882121.
Genomic context (GRCh38, chr8:69,831,764, plus strand): 5'-TTTTGTAAGGAAAGTAAGTTTCAGTGTGAGTGAAACATATCTGAGAGAACAGGAAAGTCT[T>C]ACCTAGGTACAAGGAGGAGTTTTCTTTCTTGACATTGTCATCTAAGTAGGTTGGTCCCAG-3'